The following continues an entry in ClinVar:

NM_007294.4(BRCA1):c.5074+6C>G

Gene: BRCA1. ClinVar aggregate classification (germline): Benign. Benign (1).

Submissions 21 to 28 of 28:

Sharing Clinical Reports Project (SCRP)
Classification: Benign for Breast-ovarian cancer, familial 1. Last evaluated: 2009-02-04. Review status: no assertion criteria provided. Collection method: clinical testing. Allele origin: germline. Not counted in ClinVar's aggregate classification.

Breast Cancer Information Core (BIC) (BRCA1)
Classification: Uncertain significance for Breast-ovarian cancer, familial 1. Last evaluated: 2002-05-29. Review status: no assertion criteria provided. Collection method: clinical testing. Allele origin: germline. Affected: yes. Observed: 2 variant alleles. Not counted in ClinVar's aggregate classification.

Brotman Baty Institute, University of Washington
No classification provided (evidence only). Condition: Breast-ovarian cancer, familial 1. Review status: no classification provided. Collection method: in vitro. Allele origin: not applicable. Functional consequence: functionally_normal. Not counted in ClinVar's aggregate classification.
ClinVar note: "not provided" was previously submitted as the classification for the variant. However, the classification appeared to be based only on an observation of functional data so it was converted to no classification on 2025-07-30.

Clinical Genetics DNA and cytogenetics Diagnostics Lab, Erasmus MC, Erasmus Medical Center
Classification: Benign. Review status: no assertion criteria provided. Collection method: clinical testing. Allele origin: germline. Affected: yes. Study: VKGL Data-share Consensus. Not counted in ClinVar's aggregate classification.

Clinical Genetics Laboratory, Department of Pathology, Netherlands Cancer Institute
Classification: Likely benign. Review status: no assertion criteria provided. Collection method: clinical testing. Allele origin: germline. Affected: yes. Study: VKGL Data-share Consensus. Not counted in ClinVar's aggregate classification.

Department of Pathology and Laboratory Medicine, Sinai Health System
Classification: Likely benign. Review status: no assertion criteria provided. Collection method: clinical testing. Allele origin: unknown. Affected: yes. Study: The Canadian Open Genetics Repository (COGR). Not counted in ClinVar's aggregate classification.
Comment: The BRCA1, c.5074+6C>G variant was identified in 1 of 552 proband chromosomes (frequency: 0.002) from individuals or families with breast cancer (Bonatti 2006). The variant was also identified in dbSNP (ID: rs80358032), NHLBI Exome Sequencing Project (Exome Variant Server), Exome Aggregation Consortium (ExAC) database, LOVD, the ClinVar database (classified as a benign variant by the Sharing Clinical Reports Project, derived from Myriad reports; classified as an uncertain significance by BIC), GeneInsight VariantWire database (2X, classified as IARC 3 and Benign by clinical laboratories), the BIC database (2X with unknown clinical importance) and UMD (6X as a likely neutral variant). In UMD the variant was identified with a co-occurring pathogenic BRCA1 variant (c.4327C>T (p.Arg1443X)), increasing the likelihood that the c.5074+6C>G variant does not have clinical significance. This variant was identified in the Exome Variant Server project in 1 of 8600 European American alleles, the Exome Aggregation Consortium (ExAC) database (released Oct 20th, 2014) in 7 of 66484 chromosomes (frequency: 0.00001) from a population of European (Non-Finnish) individuals, although this low number of observations and low frequency is not substantive enough to determine the prevalence of the variant in the general population and its relationship to disease. The c.5074+6C>G variant is located in the 5' splice region but does not affect the invariant +1 and +2 positions. However, positions +3 to +6 are part of the splicing consensus sequence and variants involving these positions sometimes affect splicing. However, in silico or computational prediction software programs (SpliceSiteFinder, MaxEntScan, NNSPLICE, GeneSplicer, HumanSpliceFinder) do not predict a difference in splicing. An RNA-based study by Bonatti (2006) found that the variant showed the same pattern in RT-PCR product as normal controls, suggesting that this variant expresses a normal mRNA transcript which would likely be translated into a wild-type protein. However, functional study by Steffensen (2014) identified minor increase in skipping of exon 17; minor increase in the transcripts lacking exon 17 compared with the wild type and classifies this variant as a VUS. In summary, based on the above information, the clinical significance of this variant cannot be determined with certainty at this time although we would lean towards a more benign role for this variant. This variant is classified as predicted benign.

Genome Diagnostics Laboratory, University Medical Center Utrecht
Classification: Likely benign. Review status: no assertion criteria provided. Collection method: clinical testing. Allele origin: germline. Affected: yes. Study: VKGL Data-share Consensus. Not counted in ClinVar's aggregate classification.

Joint Genome Diagnostic Labs from Nijmegen and Maastricht, Radboudumc and MUMC+
Classification: Benign. Review status: no assertion criteria provided. Collection method: clinical testing. Allele origin: germline. Affected: yes. Study: VKGL Data-share Consensus. Not counted in ClinVar's aggregate classification.

Literature cited by the submitters: PubMed 31131967 (cited by Evidence-based Network for the Interpretation of Germline Mutant Alleles (ENIGMA) and Quest Diagnostics Nichols Institute San Juan Capistrano); PubMed 30209399 (cited by Quest Diagnostics Nichols Institute San Juan Capistrano); PubMed 16267036 (cited by 3 submitters); PubMed 10882858 (cited by Quest Diagnostics Nichols Institute San Juan Capistrano and Women's Health and Genetics/Laboratory Corporation of America, LabCorp); PubMed 31343793 (cited by Quest Diagnostics Nichols Institute San Juan Capistrano); PubMed 26247049 (cited by Quest Diagnostics Nichols Institute San Juan Capistrano and Women's Health and Genetics/Laboratory Corporation of America, LabCorp); PubMed 24916970 (cited by 3 submitters); PubMed 17011978 (cited by 3 submitters); PubMed 22505045 (cited by 3 submitters); PubMed 24667779 (cited by 3 submitters); PubMed 30472649 (cited by Hereditary Cancer Genetics group, Vall d'Hebron Institute of Oncology).